The following is an entry in ClinVar:

ClinVar aggregate classification (germline): Uncertain significance (1 of 4 stars; one submission).

Conditions:
Perlman syndrome (PRLMNS). Identifiers: Orphanet 2849, MedGen C0796113, MONDO:0009965, OMIM 267000.

Allele frequency attached by ClinVar (database versions not stated): gnomAD exomes below 0.00001.
gnomAD v4.1: 1 of 1,614,188 alleles (0.000062%); highest among the groups gnomAD compares: Admixed American, 0.0017%; no homozygotes.

Submission:

Labcorp Genetics (formerly Invitae), Labcorp
Classification: Uncertain significance for Perlman syndrome. Last evaluated: 2024-03-28. Review status: criteria provided, single submitter. Criteria: Invitae Variant Classification Sherloc (09022015). Collection method: clinical testing. Allele origin: germline.
Comment: This sequence change replaces alanine, which is neutral and non-polar, with threonine, which is neutral and polar, at codon 528 of the DIS3L2 protein (p.Ala528Thr). This variant is not present in population databases (gnomAD no frequency). This variant has not been reported in the literature in individuals affected with DIS3L2-related conditions. ClinVar contains an entry for this variant (Variation ID: 960111). Advanced modeling of protein sequence and biophysical properties (such as structural, functional, and spatial information, amino acid conservation, physicochemical variation, residue mobility, and thermodynamic stability) performed at Invitae indicates that this missense variant is not expected to disrupt DIS3L2 protein function with a negative predictive value of 80%. In summary, the available evidence is currently insufficient to determine the role of this variant in disease. Therefore, it has been classified as a Variant of Uncertain Significance.

NM_152383.5(DIS3L2):c.1582G>A (p.Ala528Thr)

Gene: DIS3L2 (DIS3 like 3'-5' exoribonuclease 2; plus strand). Cytogenetic location: 2q37.1.
Variant type: single nucleotide variant.
Coding change: c.1582G>A on transcript NM_152383.5 (MANE Select); coding-DNA position 1582, G replaced by A.
Protein change: p.Ala528Thr; replaces alanine 528 with threonine.
Molecular consequence: missense variant. On other transcripts: non-coding transcript variant (2), splice donor variant (1).
Genome position (GRCh38, 1-based): chr2:232,263,363, G>A. VCF-style: chr2-232263363-G-A. GRCh37 (hg19) VCF-style: chr2-233128073-G-A.
Other names: c.1581+1G>A (NM_001257281.2); short protein forms A528T.
Identifiers: ClinVar variation 960111 (VCV000960111.8), dbSNP rs1693770399, ClinGen allele CA350975575.